The following is an entry in ClinVar:

ClinVar aggregate classification (germline): Uncertain significance (1 of 4 stars; one submission).

Submission:

ARUP Laboratories, Molecular Genetics and Genomics, ARUP Laboratories
Classification: Uncertain significance. Last evaluated: 2018-06-04. Review status: criteria provided, single submitter. Criteria: ARUP Molecular Germline Variant Investigation Process. Collection method: clinical testing. Allele origin: germline.
Comment: The TTN: c.28404T>G; p.Phe9468Leu variant is rare in the general population (<1% allele frequency in the Genome Aggregation Database) and has not been reported in the medical literature in association with dilated cardiomyopathy (DCM) or other TTN-related disease. The clinical relevance of rare missense variants in this gene, which are identified on average once per individual sequenced in affected populations (Herman 2012), is not well understood. While the clinical significance of such variants is considered uncertain, evidence suggests that the vast majority of missense variants do not contribute to the clinical outcome of DCM (Begay 2015). Given the available evidence, the clinical significance of the p.Phe9468Leu variant cannot be determined with certainty.

NM_001267550.2(TTN):c.32136T>G (p.Phe10712Leu)

Gene: TTN (titin; minus strand). Cytogenetic location: 2q31.2.
Variant type: single nucleotide variant.
Coding change: c.32136T>G on transcript NM_001267550.2 (MANE Select); coding-DNA position 32136, T replaced by G.
Protein change: p.Phe10712Leu; replaces phenylalanine 10712 with leucine.
Molecular consequence: missense variant. On other transcripts: intron variant (3).
Genome position (GRCh38, 1-based): chr2:178,688,738, A>C on the plus strand (T>G on the coding strand, the complement: TTN is on the minus strand). VCF-style: chr2-178688738-A-C. GRCh37 (hg19) VCF-style: chr2-179553465-A-C.
Other names: c.31185T>G, p.Phe10395Leu (NM_001256850.1); c.28404T>G, p.Phe9468Leu (NM_133378.4); c.13283-46421T>G (NM_003319.4); c.13859-46421T>G (NM_133437.4); c.13658-46421T>G (NM_133432.3); short protein forms F10712L, F9468L, F10395L.
Identifiers: ClinVar variation 618465 (VCV000618465.8), dbSNP rs1560398106, ClinGen allele CA349553380.